The following is an entry in ClinVar:

NM_000264.5(PTCH1):c.1135dup (p.Tyr379fs)

Gene: PTCH1 (patched 1; minus strand). Cytogenetic location: 9q22.32.
Variant type: Duplication.
Coding change: c.1135dup on transcript NM_000264.5 (MANE Select); coding-DNA position 1135, one base duplicated (T; older notation c.1135dupT).
Protein change: p.Tyr379fs; shifts the reading frame from tyrosine 379.
Molecular consequence: frameshift variant. On other transcripts: non-coding transcript variant (1).
Genome position (GRCh38, 1-based): chr9:95,479,080, A duplicated on the plus strand (T on the coding strand, the reverse complement: PTCH1 is on the minus strand). VCF-style (leftmost placement, unchanged base first): chr9-95479079-T-TA. GRCh37 (hg19) VCF-style: chr9-98241361-T-TA.
Other names: c.937dup, p.Tyr313fs (NM_001083602.3); c.1132dup, p.Tyr378fs (NM_001083603.3); c.682dup, p.Tyr228fs (NM_001083604.3, NM_001083605.3, NM_001083606.3 and 1 more transcripts); c.1135dup, p.Tyr379fs (NM_001354918.2); c.1135dupT (NM_000264.3); short protein forms Y313fs, Y379fs, Y228fs, Y378fs.
Identifiers: ClinVar variation 524496 (VCV000524496.7), dbSNP rs1554699216, ClinGen allele CA658797234.

ClinVar aggregate classification (germline): Pathogenic (1 of 4 stars; one submission).

Conditions:
Gorlin syndrome. Also called: Nevoid Basal Cell Carcinoma Syndrome; Basal cell nevus syndrome. Identifiers: Orphanet 377, MedGen C0004779, MONDO:0007187.

Submission:

Labcorp Genetics (formerly Invitae), Labcorp
Classification: Pathogenic for Gorlin syndrome. Last evaluated: 2020-07-02. Review status: criteria provided, single submitter. Criteria: Invitae Variant Classification Sherloc (09022015). Collection method: clinical testing. Allele origin: germline.
Comment: This sequence change creates a premature translational stop signal (p.Tyr379Leufs*58) in the PTCH1 gene. It is expected to result in an absent or disrupted protein product. This variant is not present in population databases (ExAC no frequency). This variant has not been reported in the literature in individuals with PTCH1-related disease. Loss-of-function variants in PTCH1 are known to be pathogenic (PMID: 16301862, 16419085). For these reasons, this variant has been classified as Pathogenic.

Literature cited by the submitters: PubMed 16301862; PubMed 16419085.